The following is an entry in ClinVar:

ClinVar aggregate classification (germline): Pathogenic (1 of 4 stars; one submission).

Conditions:
Bartter disease type 5. Also called: Bartter syndrome, type 5, antenatal, transient. Identifiers: Orphanet 112, Orphanet 570371, MedGen C4310820, MONDO:0010503, OMIM 300971.

Submission:

Equipe Genetique des Anomalies du Developpement, Université de Bourgogne
Classification: Pathogenic for Bartter disease type 5. Last evaluated: 2025-01-10. Review status: criteria provided, single submitter. Criteria: ACMG Guidelines, 2015. Collection method: clinical testing. Allele origin: germline. Affected: yes.
Comment: This is a hemizygous nonsense variant in the gene MAGED2, predicted to result in a premature stop codon at position NM_177433.3:c.1329G>A p.(Trp443Ter). It is absent from gnomAD (v4.1.0) and has not been previously reported in ClinVar. Pathogenic variants in this gene are reported in X-linked recessive, transient, antenatal Bartter syndrome, type 5 (OMIM # 300971). According to available evidence, this variant is considered to be pathogenic.

NM_177433.3(MAGED2):c.1329G>A (p.Trp443Ter)

Gene: MAGED2 (MAGE family member D2; plus strand). Cytogenetic location: Xp11.21.
Variant type: single nucleotide variant.
Coding change: c.1329G>A on transcript NM_177433.3 (MANE Select); coding-DNA position 1329, G replaced by A.
Protein change: p.Trp443Ter; replaces tryptophan 443 with a stop codon.
Molecular consequence: nonsense.
Genome position (GRCh38, 1-based): chrX:54,814,718, G>A. VCF-style: chrX-54814718-G-A. GRCh37 (hg19) VCF-style: chrX-54841151-G-A.
Other names: c.1329G>A, p.Trp443Ter (NM_014599.6, NM_201222.3); short protein forms W443*.
Identifiers: ClinVar variation 3893182 (VCV003893182.1).